The following is an entry in ClinVar:

NM_000422.3(KRT17):c.-9G>A

Gene: KRT17 (keratin 17; minus strand). Cytogenetic location: 17q21.2.
Variant type: single nucleotide variant.
Coding change: c.-9G>A on transcript NM_000422.3 (MANE Select); 9 bases upstream of the start codon, G replaced by A.
Molecular consequence: 5 prime UTR variant.
Genome position (GRCh38, 1-based): chr17:41,624,518, C>T on the plus strand (G>A on the coding strand, the complement: KRT17 is on the minus strand). VCF-style: chr17-41624518-C-T. GRCh37 (hg19) VCF-style: chr17-39780770-C-T.
Identifiers: ClinVar variation 3035336 (VCV003035336.2), dbSNP rs751685332, ClinGen allele CA8563897.

ClinVar aggregate classification (germline): Likely benign (0 of 4 stars; one submission).

Conditions:
KRT17-related disorder. Also called: KRT17-related condition.

Allele frequency attached by ClinVar (database versions not stated): ExAC 0.00002; gnomAD 0.00003.

Submission:

PreventionGenetics, part of Exact Sciences
Classification: Likely benign for KRT17-related condition. Last evaluated: 2019-07-30. Review status: no assertion criteria provided. Collection method: clinical testing. Allele origin: germline.
Comment: This variant is classified as likely benign based on ACMG/AMP sequence variant interpretation guidelines (Richards et al. 2015 PMID: 25741868, with internal and published modifications).